The following is an entry in ClinVar:

NM_002691.4(POLD1):c.2455G>T (p.Asp819Tyr)

Gene: POLD1 (DNA polymerase delta 1, catalytic subunit; plus strand). Cytogenetic location: 19q13.33.
Variant type: single nucleotide variant.
Coding change: c.2455G>T on transcript NM_002691.4 (MANE Select); coding-DNA position 2455, G replaced by T.
Protein change: p.Asp819Tyr; replaces aspartic acid 819 with tyrosine.
Molecular consequence: missense variant. On other transcripts: non-coding transcript variant (1).
Genome position (GRCh38, 1-based): chr19:50,414,881, G>T. VCF-style: chr19-50414881-G-T. GRCh37 (hg19) VCF-style: chr19-50918138-G-T.
Other names: c.2455G>T, p.Asp819Tyr (NM_001256849.1); c.2533G>T, p.Asp845Tyr (NM_001308632.1); short protein forms D845Y, D819Y.
Identifiers: ClinVar variation 2773127 (VCV002773127.3), dbSNP rs372947760, ClinGen allele CA406984780.

ClinVar aggregate classification (germline): Uncertain significance (1 of 4 stars; one submission).

Conditions:
POLD1-related polyposis and colorectal cancer syndrome (CRCS10). Also called: Colorectal cancer 10; Colorectal cancer, susceptibility to, 10; COLORECTAL CANCER, SUSCEPTIBILITY TO, ON CHROMOSOME 19q. Identifiers: Orphanet 220460, MedGen C2675481, MONDO:0012953, OMIM 612591.

Submission:

Labcorp Genetics (formerly Invitae), Labcorp
Classification: Uncertain significance for POLD1-related polyposis and colorectal cancer syndrome. Last evaluated: 2024-09-06. Review status: criteria provided, single submitter. Criteria: Invitae Variant Classification Sherloc (09022015). Collection method: clinical testing. Allele origin: germline.
Comment: This sequence change replaces aspartic acid, which is acidic and polar, with tyrosine, which is neutral and polar, at codon 819 of the POLD1 protein (p.Asp819Tyr). This variant is not present in population databases (gnomAD no frequency). This variant has not been reported in the literature in individuals affected with POLD1-related conditions. Invitae Evidence Modeling of protein sequence and biophysical properties (such as structural, functional, and spatial information, amino acid conservation, physicochemical variation, residue mobility, and thermodynamic stability) indicates that this missense variant is not expected to disrupt POLD1 protein function with a negative predictive value of 80%. In summary, the available evidence is currently insufficient to determine the role of this variant in disease. Therefore, it has been classified as a Variant of Uncertain Significance.